The following is an entry in ClinVar:

NM_000313.4(PROS1):c.269G>A (p.Arg90His)

Gene: PROS1 (protein S; minus strand). Cytogenetic location: 3q11.1.
Variant type: single nucleotide variant.
Coding change: c.269G>A on transcript NM_000313.4 (MANE Select); coding-DNA position 269, G replaced by A.
Protein change: p.Arg90His; replaces arginine 90 with histidine.
Molecular consequence: missense variant.
Genome position (GRCh38, 1-based): chr3:93,910,696, C>T on the plus strand (G>A on the coding strand, the complement: PROS1 is on the minus strand). VCF-style: chr3-93910696-C-T. GRCh37 (hg19) VCF-style: chr3-93629540-C-T.
Other names: c.365G>A, p.Arg122His (NM_001314077.2); short protein forms R122H, R90H.
Identifiers: ClinVar variation 943404 (VCV000943404.4), dbSNP rs200886866, ClinGen allele CA2503526.
Genomic context (GRCh38, chr3:93,910,696, plus strand): 5'-AGGTCAGGATAAGCATTAGTTGACTGACGTGCAGCAGTGAATAACCCAGTTTGAAAAGAG[C>T]GAAGACAAACTGAAAATAAAAACAAACATAATCTTCTTAGAGTAGACACACATACTTGAT-3'
Protein context (NP_000304.2, residues 80-100): YFYPKYLVCL[Arg90His]SFQTGLFTAA

ClinVar aggregate classification (germline): Uncertain significance (1 of 4 stars; one submission).

Conditions:
Thrombophilia due to protein S deficiency, autosomal recessive (THPH6). Identifiers: Orphanet 743, MedGen C3281092, MONDO:0013791, OMIM 614514. Disease mechanism: loss of function.

Allele frequency attached by ClinVar (database versions not stated): gnomAD exomes 0.00002; TOPMed 0.00002; ExAC 0.00003; gnomAD 0.00003.
gnomAD v4.1: 19 of 1,611,412 alleles (0.0012%); highest among the groups gnomAD compares: African/African-American, 0.004%; no homozygotes.

Submission:

Labcorp Genetics (formerly Invitae), Labcorp
Classification: Uncertain significance for Thrombophilia due to protein S deficiency, autosomal recessive. Last evaluated: 2021-09-01. Review status: criteria provided, single submitter. Criteria: Invitae Variant Classification Sherloc (09022015). Collection method: clinical testing. Allele origin: germline.
Comment: This sequence change replaces arginine with histidine at codon 90 of the PROS1 protein (p.Arg90His). The arginine residue is weakly conserved and there is a small physicochemical difference between arginine and histidine. This variant is present in population databases (rs200886866, ExAC 0.01%). This missense change has been observed in individual(s) with protein S deficiency (PMID: 7803790). This variant is also known as R49H. Algorithms developed to predict the effect of missense changes on protein structure and function are either unavailable or do not agree on the potential impact of this missense change (SIFT: "Deleterious"; PolyPhen-2: "Possibly Damaging"; Align-GVGD: "Class C0"). Experimental studies have shown that this missense change does not substantially affect PROS1 function (PMID: 10613646). In summary, the available evidence is currently insufficient to determine the role of this variant in disease. Therefore, it has been classified as a Variant of Uncertain Significance.

Literature cited by the submitters: PubMed 7803790; PubMed 10613646.